The following is an entry in ClinVar:

NM_005477.3(HCN4):c.3119G>A (p.Ser1040Asn)

Gene: HCN4 (hyperpolarization activated cyclic nucleotide gated potassium channel 4; minus strand). Cytogenetic location: 15q24.1.
Variant type: single nucleotide variant.
Coding change: c.3119G>A on transcript NM_005477.3 (MANE Select); coding-DNA position 3119, G replaced by A.
Protein change: p.Ser1040Asn; replaces serine 1040 with asparagine.
Molecular consequence: missense variant.
Genome position (GRCh38, 1-based): chr15:73,322,974, C>T on the plus strand (G>A on the coding strand, the complement: HCN4 is on the minus strand). VCF-style: chr15-73322974-C-T. GRCh37 (hg19) VCF-style: chr15-73615315-C-T.
Other names: c.3119G>A (NM_005477.2); short protein forms S1040N.
Identifiers: ClinVar variation 3624594 (VCV003624594.3).

ClinVar aggregate classification (germline): Uncertain significance. Review status: criteria provided, multiple submitters, no conflicts (2 of 4 stars). 2 submissions from 2 submitters: Uncertain significance (2). Last evaluated 2024-09-05.

Conditions:
Brugada syndrome 8 (BRGDA8). Identifiers: Orphanet 130, MedGen C2751083, MONDO:0013148, OMIM 613123.

Submissions (2):

GeneDx
Classification: Uncertain significance. Last evaluated: 2024-09-05. Review status: criteria provided, single submitter. Criteria: GeneDx Variant Classification Process June 2021. Collection method: clinical testing. Allele origin: germline. Affected: yes.
Comment: Not observed at significant frequency in large population cohorts (gnomAD); In silico analysis indicates that this missense variant does not alter protein structure/function; Has not been previously published as pathogenic or benign to our knowledge

Labcorp Genetics (formerly Invitae), Labcorp
Classification: Uncertain significance for Brugada syndrome 8. Last evaluated: 2024-07-19. Review status: criteria provided, single submitter. Criteria: Invitae Variant Classification Sherloc (09022015). Collection method: clinical testing. Allele origin: germline.
Comment: This sequence change replaces serine, which is neutral and polar, with asparagine, which is neutral and polar, at codon 1040 of the HCN4 protein (p.Ser1040Asn). This variant is not present in population databases (gnomAD no frequency). This variant has not been reported in the literature in individuals affected with HCN4-related conditions. Advanced modeling of protein sequence and biophysical properties (such as structural, functional, and spatial information, amino acid conservation, physicochemical variation, residue mobility, and thermodynamic stability) performed at Invitae indicates that this missense variant is not expected to disrupt HCN4 protein function with a negative predictive value of 95%. In summary, the available evidence is currently insufficient to determine the role of this variant in disease. Therefore, it has been classified as a Variant of Uncertain Significance.